The following is an entry in ClinVar:

ClinVar aggregate classification (germline): Likely benign. Review status: reviewed by expert panel (3 of 4 stars). 5 submissions from 5 submitters: Likely benign (1). 4 of the submissions do not count toward it. Last evaluated 2017-06-29.

Conditions:
Hereditary cancer-predisposing syndrome. Also called: Hereditary neoplastic syndrome; Hereditary Cancer Syndrome; Neoplastic Syndromes, Hereditary; Tumor predisposition. Identifiers: Orphanet 140162, MedGen C0027672, MeSH D009386, MONDO:0015356.
Breast-ovarian cancer, familial, susceptibility to, 2 (BROVCA2). Also called: BRCA2 Hereditary Breast and Ovarian Cancer. Identifiers: Orphanet 145, MedGen C2675520, MONDO:0012933, OMIM 612555. Disease mechanism: loss of function.
Hereditary breast ovarian cancer syndrome. Also called: Hereditary breast and ovarian cancer syndrome; BRCA1- and BRCA2-Associated Hereditary Breast and Ovarian Cancer; Hereditary breast and/or ovarian cancer syndrome; Hereditary breast and ovarian cancer; Breast and ovarian cancer; Hereditary breast and ovarian cancer syndrome (HBOC). Identifiers: Orphanet 145, MedGen C0677776, MeSH D061325, MONDO:0003582. Disease mechanism: loss of function.

Allele frequency attached by ClinVar (database versions not stated): ExAC 0.00001; gnomAD exomes 0.00001.
gnomAD v4.1: 2 of 1,613,732 alleles (0.00012%); highest among the groups gnomAD compares: East Asian, 0.0045%; no homozygotes.

Submissions (5):

Evidence-based Network for the Interpretation of Germline Mutant Alleles (ENIGMA)
Classification: Likely benign for Breast-ovarian cancer, familial, susceptibility to, 2. Last evaluated: 2017-06-29. Review status: reviewed by expert panel. Criteria: ENIGMA BRCA1/2 Classification Criteria (2017-06-29). Collection method: curation. Allele origin: germline.
Comment: Synonymous substitution variant, with low bioinformatic likelihood to result in a splicing aberration (Splicing prior probability 0.02).

Labcorp Genetics (formerly Invitae), Labcorp
Classification: Likely benign for Hereditary breast ovarian cancer syndrome. Last evaluated: 2024-12-14. Review status: criteria provided, single submitter. Criteria: Invitae Variant Classification Sherloc (09022015). Collection method: clinical testing. Allele origin: germline. Not counted in ClinVar's aggregate classification.

Ambry Genetics
Classification: Likely benign for Hereditary cancer-predisposing syndrome. Last evaluated: 2019-06-14. Review status: criteria provided, single submitter. Criteria: Ambry Variant Classification Scheme 2023. Collection method: clinical testing. Allele origin: germline. Not counted in ClinVar's aggregate classification.

Color Diagnostics, LLC DBA Color Health
Classification: Likely benign for Hereditary cancer-predisposing syndrome. Last evaluated: 2019-04-30. Review status: criteria provided, single submitter. Criteria: ACMG Guidelines, 2015. Collection method: clinical testing. Allele origin: germline. Not counted in ClinVar's aggregate classification.

GeneDx
Classification: Likely benign. Last evaluated: 2018-01-22. Review status: criteria provided, single submitter. Criteria: GeneDx Variant Classification (06012015). Collection method: clinical testing. Allele origin: germline. Affected: yes. Not counted in ClinVar's aggregate classification.
Comment: This variant is considered likely benign or benign based on one or more of the following criteria: it is a conservative change, it occurs at a poorly conserved position in the protein, it is predicted to be benign by multiple in silico algorithms, and/or has population frequency not consistent with disease.

NM_000059.4(BRCA2):c.2988C>G (p.Leu996=)

Gene: BRCA2 (BRCA2 DNA repair associated; plus strand). Cytogenetic location: 13q13.1.
Variant type: single nucleotide variant.
Coding change: c.2988C>G on transcript NM_000059.4 (MANE Select); coding-DNA position 2988, C replaced by G.
Protein change: p.Leu996=; no amino-acid change (leucine 996 retained).
Molecular consequence: synonymous variant.
Genome position (GRCh38, 1-based): chr13:32,337,343, C>G. VCF-style: chr13-32337343-C-G. GRCh37 (hg19) VCF-style: chr13-32911480-C-G.
Identifiers: ClinVar variation 427479 (VCV000427479.19), dbSNP rs758336001, ClinGen allele CA6940650.